The following is an entry in ClinVar:

ClinVar aggregate classification (germline): Uncertain significance (1 of 4 stars; one submission).

Conditions:
Intellectual developmental disorder, autosomal dominant 44, with microcephaly. Also called: Micrognathia-recurrent infections-behavioral abnormalities-mild intellectual disability syndrome; TRIO-Related Intellectual Disability. Identifiers: Orphanet 476126, MedGen C4310740, MONDO:0014892, OMIM 617061.
Intellectual developmental disorder, autosomal dominant 63, with macrocephaly. Also called: MENTAL RETARDATION, AUTOSOMAL DOMINANT 63, WITH MACROCEPHALY. Identifiers: MedGen C5394205, MONDO:0032939, OMIM 618825.

Submission:

Clinical Genomics Laboratory, Washington University in St. Louis
Classification: Uncertain significance for Intellectual developmental disorder, autosomal dominant 44, with microcephaly; Intellectual developmental disorder, autosomal dominant 63, with macrocephaly. Last evaluated: 2025-08-05. Review status: criteria provided, single submitter. Criteria: ACMG Guidelines, 2015. Collection method: clinical testing. Allele origin: germline.
Comment: The TRIO c.760C>T (p.Arg254Trp) variant, to our knowledge, has not been reported in the medical literature. This variant is absent from the general population (gnomAD v2.1.1), indicating it is not a common variant. Computational predictors are uncertain as to the impact of this variant on TRIO function. This variant does not reside within the mutational hot spots (e.g. spectrin or GEFD1/2 domains) associated with the TRIO-associated neurodevelopmental disorders. Due to limited information, and based on ACMG/AMP guidelines for variant interpretation (Richards S et al., PMID: 25741868), the clinical significance of this variant is uncertain at this time.

NM_007118.4(TRIO):c.760C>T (p.Arg254Trp)

Gene: TRIO (trio Rho guanine nucleotide exchange factor; plus strand). Cytogenetic location: 5p15.2.
Variant type: single nucleotide variant.
Coding change: c.760C>T on transcript NM_007118.4 (MANE Select); coding-DNA position 760, C replaced by T.
Protein change: p.Arg254Trp; replaces arginine 254 with tryptophan.
Molecular consequence: missense variant. On other transcripts: non-coding transcript variant (1).
Genome position (GRCh38, 1-based): chr5:14,290,935, C>T. VCF-style: chr5-14290935-C-T. GRCh37 (hg19) VCF-style: chr5-14291044-C-T.
Other names: short protein forms R254W.
Identifiers: ClinVar variation 4279876 (VCV004279876.1).
Genomic context (GRCh38, chr5:14,290,935, plus strand): 5'-CTGGAGGAACTTCAGGACATCCTAGCTAAGAAGGAGCTGCCTCAGGATTTAGAGGGGGCT[C>T]GGAATATGATCGAGGAACATTCTCAGCTGAAGAAGAAGGTGATTAAGGCCCCCATCGAGG-3'
Protein context (NP_009049.2, residues 244-264): KELPQDLEGA[Arg254Trp]NMIEEHSQLK